The following is an entry in ClinVar:

NM_000275.3(OCA2):c.1501_1502insGC (p.Met501fs)

Gene: OCA2 (OCA2 melanosomal transmembrane protein; minus strand). Cytogenetic location: 15q13.1.
Variant type: Insertion.
Coding change: c.1501_1502insGC on transcript NM_000275.3 (MANE Select); coding-DNA positions 1501 to 1502, GC inserted.
Protein change: p.Met501fs; shifts the reading frame from methionine 501.
Molecular consequence: frameshift variant.
Genome position: GRCh38 VCF-style: chr15-27983346-A-AGC. GRCh37 (hg19) VCF-style: chr15-28228492-A-AGC.
Other names: c.1429_1430insGC, p.Met477fs (NM_001300984.2); short protein forms M477fs, M501fs.
Identifiers: ClinVar variation 2830473 (VCV002830473.3), dbSNP rs2548338599, ClinGen allele CA2739277912.

ClinVar aggregate classification (germline): Pathogenic (1 of 4 stars; one submission).

Submission:

Labcorp Genetics (formerly Invitae), Labcorp
Classification: Pathogenic. Last evaluated: 2023-06-19. Review status: criteria provided, single submitter. Criteria: Invitae Variant Classification Sherloc (09022015). Collection method: clinical testing. Allele origin: germline.
Comment: For these reasons, this variant has been classified as Pathogenic. This variant has not been reported in the literature in individuals affected with OCA2-related conditions. This variant is not present in population databases (gnomAD no frequency). This sequence change creates a premature translational stop signal (p.Met501Serfs*48) in the OCA2 gene. It is expected to result in an absent or disrupted protein product. Loss-of-function variants in OCA2 are known to be pathogenic (PMID: 19865097, 21541274).

Literature cited by the submitters: PubMed 19865097; PubMed 21541274.